The following is an entry in ClinVar:

NM_002609.4(PDGFRB):c.102C>T (p.Val34=)

Gene: PDGFRB (platelet derived growth factor receptor beta; minus strand). Cytogenetic location: 5q32.
Variant type: single nucleotide variant.
Coding change: c.102C>T on transcript NM_002609.4 (MANE Select); coding-DNA position 102, C replaced by T.
Protein change: p.Val34=; no amino-acid change (valine 34 retained).
Molecular consequence: synonymous variant. On other transcripts: 5 prime UTR variant (2).
Genome position (GRCh38, 1-based): chr5:150,135,817, G>A on the plus strand (C>T on the coding strand, the complement: PDGFRB is on the minus strand). VCF-style: chr5-150135817-G-A. GRCh37 (hg19) VCF-style: chr5-149515380-G-A.
Other names: p.Val34=; c.-91C>T (NM_001355016.2); c.-416C>T (NM_001355017.2).
Identifiers: ClinVar variation 473399 (VCV000473399.17), dbSNP rs17708515, ClinGen allele CA3508412.
Genomic context (GRCh38, chr5:150,135,817, plus strand): 5'-GCAGGTCAGAACGAAGGTGCTGGAGACATTGAGGACAAGCTCTGGCCCCGGGGGTGTGAC[G>A]ACCAGGCCCTGAGAGATCTGTGGTTCCAGAAGTAACAGGAGAGACAGCAACAGCAGCTCG-3'
Protein context (NP_002600.1, residues 24-44): LLEPQISQGL[Val34=]VTPPGPELVL

ClinVar aggregate classification (germline): Benign. Review status: criteria provided, multiple submitters, no conflicts (2 of 4 stars). 6 submissions from 5 submitters: Benign (5). 1 of the submissions does not count toward it. Last evaluated 2026-02-01.

Conditions:
Myofibromatosis, infantile, 1. Also called: Myofibromatosis, juvenile. Identifiers: Orphanet 2591, MedGen C4551572, MONDO:0009227, OMIM 228550.
Acroosteolysis-keloid-like lesions-premature aging syndrome. Also called: Premature aging syndrome, Penttinen type; Prematurely aged appearance, delayed bone maturation, acro-osteolysis, and brachydactyly; Progeroid syndrome, Penttinen type. Identifiers: Orphanet 363665, MedGen C1866182, MONDO:0011150, OMIM 601812.
Skeletal overgrowth-craniofacial dysmorphism-hyperelastic skin-white matter lesions syndrome. Also called: SKELETAL OVERGROWTH WITH FACIAL DYSMORPHISM, HYPERELASTIC SKIN, WHITE MATTER LESIONS, AND NEUROLOGIC DETERIORATION; Kosaki overgrowth syndrome. Identifiers: Orphanet 477831, MedGen C4225270, MONDO:0014704, OMIM 616592.
Basal ganglia calcification, idiopathic, 4 (PFBC4). Also called: Familial Idiopathic Basal Ganglia Calcification 4; PRIMARY FAMILIAL BRAIN CALCIFICATION 4, AUTOSOMAL DOMINANT. Identifiers: Orphanet 1980, MedGen C3554321, MONDO:0014004, OMIM 615007.
Infantile myofibromatosis (IMF). Also called: Congenital generalized fibromatosis. Identifiers: Orphanet 2591, MedGen C0432284, MONDO:0016824.
PDGFRB-related disorder. Also called: PDGFRB-related condition.
Myeloproliferative disorder, chronic, with eosinophilia. Also called: EOSINOPHILS, MALIGNANT PROLIFERATION OF; Malignant eosinophil proliferation. Identifiers: MedGen C1851585, MONDO:0007546, OMIM 131440, HP:0006782.

Allele frequency attached by ClinVar (database versions not stated): 1000 Genomes Project 0.03494; gnomAD 0.00869 and 0.01112; ESP Exome Variant Server 0.00300; ExAC 0.01945; 1000 Genomes Project 30x 0.03373; TOPMed 0.01247; gnomAD exomes 0.02122.
gnomAD v4.1: 11,713 of 1,579,558 alleles (0.74%); highest among the groups gnomAD compares: Admixed American, 6.3%; 401 homozygotes.

Submissions (6):

Labcorp Genetics (formerly Invitae), Labcorp
Classification: Benign for Basal ganglia calcification, idiopathic, 4; Skeletal overgrowth-craniofacial dysmorphism-hyperelastic skin-white matter lesions syndrome; Infantile myofibromatosis; Acroosteolysis-keloid-like lesions-premature aging syndrome. Last evaluated: 2026-02-01. Review status: criteria provided, single submitter. Criteria: Invitae Variant Classification Sherloc (09022015). Collection method: clinical testing. Allele origin: germline.

KCCC/NGS Laboratory, Kuwait Cancer Control Center
Classification: Benign for Myofibromatosis, infantile, 1. Last evaluated: 2025-02-01. Review status: criteria provided, single submitter. Criteria: ACMG Guidelines, 2015. Collection method: clinical testing. Allele origin: germline. Affected: no.

KCCC/NGS Laboratory, Kuwait Cancer Control Center
Classification: Benign for Myeloproliferative disorder, chronic, with eosinophilia. Last evaluated: 2023-07-07. Review status: criteria provided, single submitter. Criteria: ACMG Guidelines, 2015. Collection method: clinical testing. Allele origin: germline. Affected: yes.

Mayo Clinic Laboratories, Mayo Clinic
Classification: Benign. Last evaluated: 2023-02-13. Review status: criteria provided, single submitter. Criteria: ACMG Guidelines, 2015. Collection method: clinical testing. Allele origin: germline. Observed: 12 variant alleles.

GeneDx
Classification: Benign. Last evaluated: 2020-10-08. Review status: criteria provided, single submitter. Criteria: GeneDx Variant Classification Process June 2021. Collection method: clinical testing. Allele origin: germline. Affected: yes.

PreventionGenetics, part of Exact Sciences
Classification: Benign for PDGFRB-related condition. Last evaluated: 2022-06-08. Review status: no assertion criteria provided. Collection method: clinical testing. Allele origin: germline. Not counted in ClinVar's aggregate classification.
Comment: This variant is classified as benign based on ACMG/AMP sequence variant interpretation guidelines (Richards et al. 2015 PMID: 25741868, with internal and published modifications).